The following is an entry in ClinVar:

NM_000540.3(RYR1):c.2546A>G (p.Asp849Gly)

Gene: RYR1 (ryanodine receptor 1; plus strand). Cytogenetic location: 19q13.2.
Variant type: single nucleotide variant.
Coding change: c.2546A>G on transcript NM_000540.3 (MANE Select); coding-DNA position 2546, A replaced by G.
Protein change: p.Asp849Gly; replaces aspartic acid 849 with glycine.
Molecular consequence: missense variant.
Genome position (GRCh38, 1-based): chr19:38,460,560, A>G. VCF-style: chr19-38460560-A-G. GRCh37 (hg19) VCF-style: chr19-38951200-A-G.
Other names: c.2546A>G, p.Asp849Gly (NM_001042723.2); short protein forms D849G.
Identifiers: ClinVar variation 4758515 (VCV004758515.1).
Genomic context (GRCh38, chr19:38,460,560, plus strand): 5'-GACGGGAGGGGCCCCGGGGGCCTCACCTGGTGGGCCCCAGTCGCTGCCTCTCACACACCG[A>G]CTTCGTGCCCTGCCCTGTGGACACTGTCCAGGTACTGCCTGCCCTGCAAAGGTTTTCTGG-3'
Protein context (NP_000531.2, residues 839-859): VGPSRCLSHT[Asp849Gly]FVPCPVDTVQ

ClinVar aggregate classification (germline): Uncertain significance (1 of 4 stars; one submission).

Conditions:
Malignant hyperthermia, susceptibility to, 1 (MHS1). Also called: RYR1-Related Malignant Hyperthermia Susceptibility; Malignant hyperthermia suceptibility 1; Anesthesia related hyperthermia; Malignant hyperpyrexia; Fulminating hyperpyrexia; Pharmacogenic myopathy. Identifiers: Orphanet 423, MedGen C2930980, MONDO:0007783, OMIM 145600.

gnomAD v4.1: 7 of 1,613,216 alleles (0.00043%); highest among the groups gnomAD compares: Non-Finnish European, 0.00059%; no homozygotes.

Submission:

Color Diagnostics, LLC DBA Color Health
Classification: Uncertain significance for Malignant hyperthermia, susceptibility to, 1. Last evaluated: 2024-03-05. Review status: criteria provided, single submitter. Criteria: ACMG Guidelines, 2015. Collection method: clinical testing. Allele origin: germline.
Comment: This missense variant replaces aspartic acid with glycine at codon 849 of the RYR1 protein. Computational prediction is inconclusive regarding the impact of this variant on protein structure and function. To our knowledge, functional studies have not been reported for this variant. This variant has not been reported in individuals affected with RYR1-related disorders in the literature. This variant has been identified in 1/250584 chromosomes in the general population by the Genome Aggregation Database (gnomAD). The available evidence is insufficient to determine the role of this variant in disease conclusively. Therefore, this variant is classified as a Variant of Uncertain Significance.